The following is an entry in ClinVar:

ClinVar aggregate classification (germline): Likely pathogenic (3 of 4 stars; one submission).

Conditions:
Creatine transporter deficiency (CCDS1). Also called: Mental retardation , X-linked with seizures, short stature and midface hypoplasia; Mental retardation , X-linked, with creatine transport deficiency; X-linked creatine transporter deficiency; X-linked creatine deficiency syndrome; SLC6A8-Related Creatine Transporter Deficiency; CREATINE TRANSPORTER DEFECT. Identifiers: Orphanet 52503, MedGen C1845862, MONDO:0010305, OMIM 300352.

Submission:

ClinGen Cerebral Creatine Deficiency Syndromes Variant Curation Expert Panel, ClinGen
Classification: Likely pathogenic for Creatine transporter deficiency. Last evaluated: 2024-03-28. Review status: reviewed by expert panel. Criteria: ClinGen_CCDS_ACMG_Specifications_SLC6A8_v1.1. Collection method: curation. Allele origin: germline. Inheritance: X-linked inheritance.
Comment: The NM_005629.4:c.92del (p.Pro31ArgfsTer?) variant in SLC6A8 is a frameshift variant predicted to cause a premature stop codon in biologically-relevant-exon 2/13 leading to nonsense mediated decay in a gene in which loss-of-function is an established disease mechanism (PVS1). Her son is reported to be affected but individual clinical and biochemical data is unavailable PMID: 20528887, 23644449). There is insufficient data to apply PP4. The variant is absent in gnomAD v2.1.1. (PM2_Supporting). The classification of this variant has been upgraded from Variant of Uncertain Significance to Likely Pathogenic based on the recommendations of the ClinGen Sequence Variant Interpretation Working Group, that a variant meeting PVS1 and PM2_Supporting is classified as Likely PathogenicIn summary, this variant meets the criteria to be classified as likely pathogenic for X-linked creatine transporter deficiency. SLC6A8-specific ACMG/AMP criteria met, as specified by the ClinGen Cerebral Creatine Deficiency Syndromes VCEP: PVS1, PM2_Supporting. (Classification approved by the ClinGen Cerebral Creatine Deficiency Syndromes Variant Curation Expert Panel on March 28, 2024).

NM_005629.4(SLC6A8):c.92del (p.Pro31fs)

Gene: SLC6A8 (solute carrier family 6 member 8; plus strand). Cytogenetic location: Xq28.
Variant type: Deletion.
Coding change: c.92del on transcript NM_005629.4 (MANE Select); coding-DNA position 92, one base deleted (C; older notation c.92delC).
Protein change: p.Pro31fs; shifts the reading frame from proline 31.
Molecular consequence: frameshift variant.
Genome position (GRCh38, 1-based): chrX:153,688,666, C deleted; the last of 4 consecutive C bases (chrX:153,688,663-153,688,666); deleting any one gives the same sequence. VCF-style (leftmost placement, unchanged base first): chrX-153688662-GC-G. GRCh37 (hg19) VCF-style: chrX-152954117-GC-G.
Other names: NM_001142805.2:c.92del; c.92del, p.Pro31fs (NM_001142805.2); short protein forms P31fs.
Identifiers: ClinVar variation 3066430 (VCV003066430.1), dbSNP rs1557043789, ClinGen allele CA645287847.